The following is an entry in ClinVar:

NM_007294.4(BRCA1):c.4435del (p.Val1479fs)

Gene: BRCA1 (BRCA1 DNA repair associated; minus strand). Cytogenetic location: 17q21.31.
Variant type: Deletion.
Coding change: c.4435del on transcript NM_007294.4 (MANE Select); coding-DNA position 4435, one base deleted (G; older notation c.4435delG).
Protein change: p.Val1479fs; shifts the reading frame from valine 1479.
Molecular consequence: frameshift variant. On other transcripts: non-coding transcript variant (1).
Genome position (GRCh38, 1-based): chr17:43,076,537, C deleted on the plus strand (G on the coding strand, the reverse complement: BRCA1 is on the minus strand); the first of 2 consecutive C bases (chr17:43,076,537-43,076,538); deleting either gives the same sequence. VCF-style (leftmost placement, unchanged base first): chr17-43076536-AC-A. GRCh37 (hg19) VCF-style: chr17-41228553-AC-A.
Other names: c.4435delG (NM_007294.3); c.981delG, p.Val328Cysfs (NM_001408467.1, NM_001408458.1, NM_001408459.1 and 7 more transcripts); c.978delG, p.Val327Cysfs (NM_001408468.1, NM_001408469.1, NM_001408470.1); c.1122delG, p.Val375Cysfs (NM_001408472.1, NM_007298.4, NM_007304.2 and 12 more transcripts); c.1119delG, p.Val374Cysfs (NM_001408473.1, NM_001408392.1, NM_001408396.1 and 8 more transcripts); c.924delG, p.Val309Cysfs (NM_001408474.1); c.921delG, p.Val308Cysfs (NM_001408475.1, NM_001408476.1); c.915delG, p.Val306Cysfs (NM_001408478.1, NM_001408479.1, NM_001408480.1); and 72 more; short protein forms V375fs, V1500fs, V1432fs, V1479fs.
Identifiers: ClinVar variation 55199 (VCV000055199.4), dbSNP rs397509176, ClinGen allele CA002852.

ClinVar aggregate classification (germline): Pathogenic (3 of 4 stars; one submission).

Conditions:
Breast-ovarian cancer, familial, susceptibility to, 1 (BROVCA1). Also called: BRCA1 Hereditary Breast and Ovarian Cancer; OVARIAN CANCER, SUSCEPTIBILITY TO. Identifiers: Orphanet 145, MedGen C2676676, MONDO:0011450, OMIM 604370. Disease mechanism: loss of function.

Submission:

Evidence-based Network for the Interpretation of Germline Mutant Alleles (ENIGMA)
Classification: Pathogenic for Breast-ovarian cancer, familial, susceptibility to, 1. Last evaluated: 2016-09-08. Review status: reviewed by expert panel. Criteria: ENIGMA BRCA1/2 Classification Criteria (2015). Collection method: curation. Allele origin: germline.
Comment: Variant allele predicted to encode a truncated non-functional protein.